The following is an entry in ClinVar:

NM_016038.4(SBDS):c.109G>A (p.Val37Ile)

Gene: SBDS (SBDS ribosome maturation factor; minus strand). Cytogenetic location: 7q11.21.
Variant type: single nucleotide variant.
Coding change: c.109G>A on transcript NM_016038.4 (MANE Select); coding-DNA position 109, G replaced by A.
Protein change: p.Val37Ile; replaces valine 37 with isoleucine.
Molecular consequence: missense variant.
Genome position (GRCh38, 1-based): chr7:66,995,309, C>T on the plus strand (G>A on the coding strand, the complement: SBDS is on the minus strand). VCF-style: chr7-66995309-C-T. GRCh37 (hg19) VCF-style: chr7-66460296-C-T.
Other names: short protein forms V37I.
Identifiers: ClinVar variation 3437526 (VCV003437526.1).
Genomic context (GRCh38, chr7:66,995,309, plus strand): 5'-GCTCAGGCCCAGGCCCAGGCCCGAGGGAGGGGGCTACTCACACGCCGCTCCGCCAGCCGA[C>T]GACCTTGTTTTTGTAGCAGGCGATTTCGAAGCGCTTCCCGGCACGCTTCATCCGTACCAC-3'
Protein context (NP_057122.2, residues 27-47): FEIACYKNKV[Val37Ile]GWRSGVEKDL

ClinVar aggregate classification (germline): Uncertain significance (1 of 4 stars; one submission).

Conditions:
Inborn genetic diseases. Identifiers: MedGen C0950123, MeSH D030342.

gnomAD v4.1: 3 of 1,613,902 alleles (0.00019%); highest among the groups gnomAD compares: South Asian, 0.0033%; no homozygotes.

Submission:

Ambry Genetics
Classification: Uncertain significance for Inborn genetic diseases. Last evaluated: 2024-11-25. Review status: criteria provided, single submitter. Criteria: Ambry Variant Classification Scheme 2023. Collection method: clinical testing. Allele origin: germline.
Comment: The p.V37I variant (also known as c.109G>A), located in coding exon 1 of the SBDS gene, results from a G to A substitution at nucleotide position 109. The valine at codon 37 is replaced by isoleucine, an amino acid with highly similar properties. This amino acid position is conserved. In addition, this alteration is predicted to be tolerated by in silico analysis. Based on the available evidence, the clinical significance of this variant remains unclear.